The following is an entry in ClinVar:

NM_004656.4(BAP1):c.367A>G (p.Ser123Gly)

Gene: BAP1 (BRCA1 associated deubiquitinase 1; minus strand). Cytogenetic location: 3p21.1.
Variant type: single nucleotide variant.
Coding change: c.367A>G on transcript NM_004656.4 (MANE Select); coding-DNA position 367, A replaced by G.
Protein change: p.Ser123Gly; replaces serine 123 with glycine.
Molecular consequence: missense variant.
Genome position (GRCh38, 1-based): chr3:52,407,966, T>C on the plus strand (A>G on the coding strand, the complement: BAP1 is on the minus strand). VCF-style: chr3-52407966-T-C. GRCh37 (hg19) VCF-style: chr3-52441982-T-C.
Other names: c.367A>G, p.Ser123Gly (NM_001410772.1); short protein forms S123G.
Identifiers: ClinVar variation 2565168 (VCV002565168.2), dbSNP rs1578227417, ClinGen allele CA353111693.

ClinVar aggregate classification (germline): Uncertain significance (1 of 4 stars; one submission).

Conditions:
Hereditary cancer-predisposing syndrome. Also called: Neoplastic Syndromes, Hereditary; Hereditary Cancer Syndrome; Hereditary neoplastic syndrome; Tumor predisposition. Identifiers: Orphanet 140162, MedGen C0027672, MeSH D009386, MONDO:0015356.

Submission:

Ambry Genetics
Classification: Uncertain significance for Hereditary cancer-predisposing syndrome. Last evaluated: 2023-04-13. Review status: criteria provided, single submitter. Criteria: Ambry Variant Classification Scheme 2023. Collection method: clinical testing. Allele origin: germline.
Comment: The p.S123G variant (also known as c.367A>G), located in coding exon 5 of the BAP1 gene, results from an A to G substitution at nucleotide position 367. The serine at codon 123 is replaced by glycine, an amino acid with similar properties. This amino acid position is conserved. In addition, this alteration is predicted to be tolerated by in silico analysis. Since supporting evidence is limited at this time, the clinical significance of this alteration remains unclear.